The following is an entry in ClinVar:

ClinVar aggregate classification (germline): not provided (0 of 4 stars; one submission).

Conditions:
Familial cold autoinflammatory syndrome 1 (FCAS1). Also called: CRYOPYRIN-ASSOCIATED PERIODIC SYNDROME 1; Familial cold inflammatory syndrome 1. Identifiers: Orphanet 47045, MedGen C4551895, MONDO:0007349, OMIM 120100.

Submission:

Unité médicale des maladies autoinflammatoires, CHRU Montpellier
No classification provided. Condition: Familial cold urticaria. Review status: no classification provided. Collection method: not provided. Allele origin: unknown.
Comment: also involved in OMIM 191900 and 607115

NM_001243133.2(NLRP3):c.1714A>T (p.Ile572Phe)

Gene: NLRP3 (NLR family pyrin domain containing 3; plus strand). Cytogenetic location: 1q44.
Variant type: single nucleotide variant.
Coding change: c.1714A>T on transcript NM_001243133.2 (MANE Select); coding-DNA position 1714, A replaced by T.
Protein change: p.Ile572Phe; replaces isoleucine 572 with phenylalanine.
Molecular consequence: missense variant.
Genome position (GRCh38, 1-based): chr1:247,425,163, A>T. VCF-style: chr1-247425163-A-T. GRCh37 (hg19) VCF-style: chr1-247588465-A-T.
Other names: c.1714A>T, p.Ile572Phe (NM_001079821.3, NM_001127461.3, NM_001127462.3 and 1 more transcripts); c.1720A>T, p.Ile574Phe (NM_004895.5); short protein forms I574F, I572F.
Identifiers: ClinVar variation 97949 (VCV000097949.1), dbSNP rs180177490, ClinGen allele CA281274.